The following is an entry in ClinVar:

ClinVar aggregate classification (germline): Uncertain significance (1 of 4 stars; one submission).

Conditions:
Dyskeratosis congenita. Identifiers: Orphanet 1775, MedGen C0265965, MONDO:0015780.

Submission:

Ambry Genetics
Classification: Uncertain significance for Dyskeratosis congenita. Last evaluated: 2022-11-19. Review status: criteria provided, single submitter. Criteria: Ambry Variant Classification Scheme 2023. Collection method: clinical testing. Allele origin: germline.
Comment: The p.R19G variant (also known as c.55C>G), located in coding exon 1 of the TERT gene, results from a C to G substitution at nucleotide position 55. The arginine at codon 19 is replaced by glycine, an amino acid with dissimilar properties. This amino acid position is conserved. In addition, the in silico prediction for this alteration is inconclusive. Since supporting evidence is limited at this time, the clinical significance of this alteration remains unclear.

NM_198253.3(TERT):c.55C>G (p.Arg19Gly)

Genes: TERT (telomerase reverse transcriptase; minus strand), LOC110806263 (TERT 5' regulatory region; plus strand). Cytogenetic location: 5p15.33.
Variant type: single nucleotide variant.
Coding change: c.55C>G on transcript NM_198253.3 (MANE Select); coding-DNA position 55, C replaced by G.
Protein change: p.Arg19Gly; replaces arginine 19 with glycine.
Molecular consequence: missense variant. On other transcripts: non-coding transcript variant (2).
Genome position (GRCh38, 1-based): chr5:1,294,935, G>C on the plus strand (C>G on the coding strand, the complement: TERT is on the minus strand). VCF-style: chr5-1294935-G-C. GRCh37 (hg19) VCF-style: chr5-1295050-G-C.
Other names: c.55C>G, p.Arg19Gly (NM_001193376.3, NM_003219.1); short protein forms R19G.
Identifiers: ClinVar variation 2447516 (VCV002447516.2), dbSNP rs2126692636, ClinGen allele CA359059672.